The following is an entry in ClinVar:

ClinVar aggregate classification (germline): Uncertain significance (1 of 4 stars; one submission).

Conditions:
Pierpont syndrome (PRPTS). Identifiers: Orphanet 487825, MedGen C1865644, MONDO:0011213, OMIM 602342.

Submission:

Labcorp Genetics (formerly Invitae), Labcorp
Classification: Uncertain significance for Pierpont syndrome. Last evaluated: 2021-07-12. Review status: criteria provided, single submitter. Criteria: Invitae Variant Classification Sherloc (09022015). Collection method: clinical testing. Allele origin: germline.
Comment: This variant is not present in population databases (ExAC no frequency). In summary, the available evidence is currently insufficient to determine the role of this variant in disease. Therefore, it has been classified as a Variant of Uncertain Significance. Advanced modeling of protein sequence and biophysical properties (such as structural, functional, and spatial information, amino acid conservation, physicochemical variation, residue mobility, and thermodynamic stability) performed at Invitae indicates that this missense variant is expected to disrupt TBL1XR1 protein function. This variant has not been reported in the literature in individuals affected with TBL1XR1-related conditions. This sequence change replaces threonine with proline at codon 238 of the TBL1XR1 protein (p.Thr238Pro). The threonine residue is highly conserved and there is a small physicochemical difference between threonine and proline.

NM_024665.7(TBL1XR1):c.712A>C (p.Thr238Pro)

Genes: TBL1XR1 (TBL1X/Y related 1; minus strand), TBL1XR1-AS1 (TBL1XR1 antisense RNA 1; plus strand). Cytogenetic location: 3q26.32.
Variant type: single nucleotide variant.
Coding change: c.712A>C on transcript NM_024665.7 (MANE Select); coding-DNA position 712, A replaced by C.
Protein change: p.Thr238Pro; replaces threonine 238 with proline.
Molecular consequence: missense variant.
Genome position (GRCh38, 1-based): chr3:177,047,540, T>G on the plus strand (A>C on the coding strand, the complement: TBL1XR1 is on the minus strand). VCF-style: chr3-177047540-T-G. GRCh37 (hg19) VCF-style: chr3-176765328-T-G.
Other names: c.712A>C, p.Thr238Pro (NM_001321193.3, NM_001321194.3, NM_001374327.1 and 2 more transcripts); c.451A>C, p.Thr151Pro (NM_001321195.3, NM_001374330.1); short protein forms T238P, T151P.
Identifiers: ClinVar variation 1356241 (VCV001356241.8), dbSNP rs1716484332, ClinGen allele CA355552336.